The following is an entry in ClinVar:

ClinVar aggregate classification (germline): Conflicting classifications of pathogenicity. Review status: criteria provided, conflicting classifications (1 of 4 stars). 2 submissions from 2 submitters: Uncertain significance (1); Likely benign (1). Last evaluated 2026-04-01.

Submissions (2):

CeGaT Center for Human Genetics Tuebingen
Classification: Likely benign. Last evaluated: 2026-04-01. Review status: criteria provided, single submitter. Criteria: CeGaT Center For Human Genetics Tuebingen Variant Classification Criteria Version 2. Collection method: clinical testing. Allele origin: germline. Affected: yes. Observed: 1 variant allele.
Comment: LRRC7: BP4

Ambry Genetics
Classification: Uncertain significance. Last evaluated: 2024-06-02. Review status: criteria provided, single submitter. Criteria: Ambry Variant Classification Scheme 2023. Collection method: clinical testing. Allele origin: germline.

NM_001370785.2(LRRC7):c.3290T>C (p.Val1097Ala)

Genes: LRRC7 (leucine rich repeat containing 7; plus strand), LRRC7-AS1 (LRRC7 antisense RNA 1; minus strand). Cytogenetic location: 1p31.1.
Variant type: single nucleotide variant.
Coding change: c.3290T>C on transcript NM_001370785.2 (MANE Select); coding-DNA position 3290, T replaced by C.
Protein change: p.Val1097Ala; replaces valine 1097 with alanine.
Molecular consequence: missense variant.
Genome position (GRCh38, 1-based): chr1:70,039,114, T>C. VCF-style: chr1-70039114-T-C. GRCh37 (hg19) VCF-style: chr1-70504797-T-C.
Other names: NM_020794.2:c.3176T>C; c.3191T>C, p.Val1064Ala (NM_001330635.3, NM_001366841.1); c.3293T>C, p.Val1098Ala (NM_001350216.3); c.3290T>C, p.Val1097Ala (NM_001366838.3); c.3131T>C, p.Val1044Ala (NM_001366839.3); short protein forms V1098A, V1044A, V1064A, V1097A.
Identifiers: ClinVar variation 3291725 (VCV003291725.3).